The following is an entry in ClinVar:

ClinVar aggregate classification (germline): Uncertain significance (1 of 4 stars; one submission).

Conditions:
Hypogonadotropic hypogonadism 14 with or without anosmia (HH14). Also called: HYPOGONADOTROPIC HYPOGONADISM 14 WITHOUT ANOSMIA. Identifiers: Orphanet 478, MedGen C3540450, MONDO:0013926, OMIM 614858.

Allele frequency attached by ClinVar (database versions not stated): 1000 Genomes Project 30x 0.00016; 1000 Genomes Project 0.00020.
gnomAD v4.1: 19 of 1,613,742 alleles (0.0012%); highest among the groups gnomAD compares: South Asian, 0.011%; no homozygotes.

Submission:

Neuberg Centre For Genomic Medicine, NCGM
Classification: Uncertain significance for Hypogonadotropic hypogonadism 14 with or without anosmia. Review status: criteria provided, single submitter. Criteria: ACMG Guidelines, 2015. Collection method: clinical testing. Allele origin: germline. Inheritance: Autosomal dominant inheritance. Affected: yes.
Comment: The c.2149G>A (p.Ala717Thr) missense variant in WDR11 gene has not been reported previously as a pathogenic variant nor as a benign variant, to our knowledge. The p.Ala717Thr variant is reported with the allele frequency (0.001%) in the gnomAD Exomes and is novel (not in any individuals) in 1000 Genomes. The amino acid Ala at position 717 is changed to a Thr changing protein sequence and it might alter its composition and physico-chemical properties. The variant is predicted to be damaging by both SIFT and PolyPhen2. The residue is conserved across species. The amino acid change p.Ala717Thr in WDR11 is predicted as conserved by GERP++ and PhyloP across 100 vertebrates. For these reasons, this variant has been classified as Variant of Uncertain Significance (VUS).

NM_018117.12(WDR11):c.2149G>A (p.Ala717Thr)

Gene: WDR11 (WD repeat domain 11; plus strand). Cytogenetic location: 10q26.12.
Variant type: single nucleotide variant.
Coding change: c.2149G>A on transcript NM_018117.12 (MANE Select); coding-DNA position 2149, G replaced by A.
Protein change: p.Ala717Thr; replaces alanine 717 with threonine.
Molecular consequence: missense variant.
Genome position (GRCh38, 1-based): chr10:120,889,105, G>A. VCF-style: chr10-120889105-G-A. GRCh37 (hg19) VCF-style: chr10-122648617-G-A.
Other names: short protein forms A717T.
Identifiers: ClinVar variation 2585361 (VCV002585361.1), dbSNP rs575185663, ClinGen allele CA5719939.